The following is an entry in ClinVar:

NM_033641.4(COL4A6):c.4360G>A (p.Gly1454Arg)

Gene: COL4A6 (collagen type IV alpha 6 chain; minus strand). Cytogenetic location: Xq22.3.
Variant type: single nucleotide variant.
Coding change: c.4360G>A on transcript NM_033641.4 (MANE Select); coding-DNA position 4360, G replaced by A.
Protein change: p.Gly1454Arg; replaces glycine 1454 with arginine.
Molecular consequence: missense variant.
Genome position (GRCh38, 1-based): chrX:108,160,628, C>T on the plus strand (G>A on the coding strand, the complement: COL4A6 is on the minus strand). VCF-style: chrX-108160628-C-T. GRCh37 (hg19) VCF-style: chrX-107403858-C-T.
Other names: c.4411G>A, p.Gly1471Arg (NM_001287758.2); c.4288G>A, p.Gly1430Arg (NM_001287759.2); c.4189G>A, p.Gly1397Arg (NM_001287760.2); c.4363G>A, p.Gly1455Arg (NM_001847.4); short protein forms G1397R, G1430R, G1454R, G1455R, G1471R.
Identifiers: ClinVar variation 3902416 (VCV003902416.1).

ClinVar aggregate classification (germline): Uncertain significance (1 of 4 stars; one submission).

gnomAD v4.1: 21 of 1,209,181 alleles (0.0017%); highest among the groups gnomAD compares: Non-Finnish European, 0.002%; no homozygotes.

Submission:

Women's Health and Genetics/Laboratory Corporation of America, LabCorp
Classification: Uncertain significance. Last evaluated: 2025-05-08. Review status: criteria provided, single submitter. Criteria: LabCorp Variant Classification Summary - May 2015. Collection method: clinical testing. Allele origin: germline.
Comment: Variant summary: COL4A6 c.4363G>A (p.Gly1455Arg) results in a non-conservative amino acid change in the encoded protein sequence. Algorithms developed to predict the effect of missense changes on protein structure and function all suggest that this variant is likely to be disruptive. The variant allele was found at a frequency of 5.7e-06 in 176852 control chromosomes. The available data on variant occurrences in the general population are insufficient to allow any conclusion about variant significance. To our knowledge, no occurrence of c.4363G>A in individuals affected with Deafness, X-Linked 6 and no experimental evidence demonstrating its impact on protein function have been reported. No submitters have cited clinical-significance assessments for this variant to ClinVar. Based on the evidence outlined above, the variant was classified as uncertain significance.